The following is an entry in ClinVar:

ClinVar aggregate classification (germline): Uncertain significance (1 of 4 stars; one submission).

Submission:

Labcorp Genetics (formerly Invitae), Labcorp
Classification: Uncertain significance. Last evaluated: 2023-12-23. Review status: criteria provided, single submitter. Criteria: Invitae Variant Classification Sherloc (09022015). Collection method: clinical testing. Allele origin: germline.
Comment: This sequence change replaces aspartic acid, which is acidic and polar, with glutamic acid, which is acidic and polar, at codon 720 of the SAMD9L protein (p.Asp720Glu). This variant is not present in population databases (gnomAD no frequency). This variant has not been reported in the literature in individuals affected with SAMD9L-related conditions. Advanced modeling of protein sequence and biophysical properties (such as structural, functional, and spatial information, amino acid conservation, physicochemical variation, residue mobility, and thermodynamic stability) performed at Invitae indicates that this missense variant is not expected to disrupt SAMD9L protein function with a negative predictive value of 80%. In summary, the available evidence is currently insufficient to determine the role of this variant in disease. Therefore, it has been classified as a Variant of Uncertain Significance.

NM_152703.5(SAMD9L):c.2160T>G (p.Asp720Glu)

Gene: SAMD9L (sterile alpha motif domain containing 9 like; minus strand). Cytogenetic location: 7q21.2.
Variant type: single nucleotide variant.
Coding change: c.2160T>G on transcript NM_152703.5 (MANE Select); coding-DNA position 2160, T replaced by G.
Protein change: p.Asp720Glu; replaces aspartic acid 720 with glutamic acid.
Molecular consequence: missense variant.
Genome position (GRCh38, 1-based): chr7:93,133,812, A>C on the plus strand (T>G on the coding strand, the complement: SAMD9L is on the minus strand). VCF-style: chr7-93133812-A-C. GRCh37 (hg19) VCF-style: chr7-92763125-A-C.
Other names: c.2160T>G, p.Asp720Glu (NM_001303500.3, NM_001350082.2, NM_001350083.2 and 5 more transcripts); short protein forms D720E.
Identifiers: ClinVar variation 2702983 (VCV002702983.3), dbSNP rs2535422390, ClinGen allele CA368192509.
Genomic context (GRCh38, chr7:93,133,812, plus strand): 5'-ATAAAGATTGATGATTTTTGCAAATATTGGTTTAGGAGACTCTGCCCAGCAGTGTATTAA[A>C]TCTTTAAGCTTTTCATAACTGTCCCTTTTAACAAAATCTGAAGAATAGTTTTCAGAAGAA-3'
Protein context (NP_689916.2, residues 710-730): VKRDSYEKLK[Asp720Glu]LIHCWAESPK